The following is an entry in ClinVar:

ClinVar aggregate classification (germline): Benign/Likely benign. Review status: criteria provided, multiple submitters, no conflicts (2 of 4 stars). 4 submissions from 4 submitters: Benign (1); Likely benign (3). Last evaluated 2025-03-11.

Conditions:
Mitochondrial complex II deficiency, nuclear type 1. Also called: SUCCINATE CoQ REDUCTASE DEFICIENCY. Identifiers: Orphanet 3208, MedGen C5700310, MONDO:0100294, OMIM 252011.
Pheochromocytoma/paraganglioma syndrome 5. Also called: SDHA-Related Hereditary Paraganglioma-Pheochromocytoma Syndrome; Paragangliomas 5. Identifiers: Orphanet 29072, MedGen C3279992, MONDO:0013602, OMIM 614165.
Hereditary cancer-predisposing syndrome. Also called: Neoplastic Syndromes, Hereditary; Hereditary Cancer Syndrome; Tumor predisposition; Hereditary neoplastic syndrome. Identifiers: Orphanet 140162, MedGen C0027672, MeSH D009386, MONDO:0015356.

Allele frequency attached by ClinVar (database versions not stated): gnomAD exomes below 0.00001; gnomAD 0.00001; TOPMed 0.00001.

Submissions (4):

Myriad Genetics, Inc.
Classification: Benign for Pheochromocytoma/paraganglioma syndrome 5. Last evaluated: 2025-03-11. Review status: criteria provided, single submitter. Criteria: Myriad Autosomal Dominant, Autosomal Recessive and X-Linked Classification Criteria (2023). Collection method: clinical testing. Allele origin: unknown.
Comment: This variant is considered benign. This variant is a silent/synonymous amino acid change and it is not expected to impact splicing.

Labcorp Genetics (formerly Invitae), Labcorp
Classification: Likely benign for Pheochromocytoma/paraganglioma syndrome 5; Mitochondrial complex II deficiency, nuclear type 1. Last evaluated: 2023-07-10. Review status: criteria provided, single submitter. Criteria: Invitae Variant Classification Sherloc (09022015). Collection method: clinical testing. Allele origin: germline.

Ambry Genetics
Classification: Likely benign for Hereditary cancer-predisposing syndrome. Last evaluated: 2022-05-15. Review status: criteria provided, single submitter. Criteria: Ambry Variant Classification Scheme 2023. Collection method: clinical testing. Allele origin: germline.

Sema4
Classification: Likely benign for Hereditary cancer-predisposing syndrome. Last evaluated: 2021-01-22. Review status: criteria provided, single submitter. Criteria: Sema4 Curation Guidelines. Collection method: curation. Allele origin: germline.

NM_004168.4(SDHA):c.1827C>A (p.Pro609=)

Gene: SDHA (succinate dehydrogenase complex flavoprotein subunit A; plus strand). Cytogenetic location: 5p15.33.
Variant type: single nucleotide variant.
Coding change: c.1827C>A on transcript NM_004168.4 (MANE Select); coding-DNA position 1827, C replaced by A.
Protein change: p.Pro609=; no amino-acid change (proline 609 retained).
Molecular consequence: synonymous variant.
Genome position (GRCh38, 1-based): chr5:254,425, C>A. VCF-style: chr5-254425-C-A. GRCh37 (hg19) VCF-style: chr5-254540-C-A.
Other names: c.1683C>A, p.Pro561= (NM_001294332.2); c.1584C>A, p.Pro528= (NM_001330758.2).
Identifiers: ClinVar variation 417249 (VCV000417249.16), dbSNP rs1060505006, ClinGen allele CA16611904.